The following is an entry in ClinVar:

NM_020922.5(WNK3):c.5322A>T (p.Pro1774=)

Gene: WNK3 (WNK lysine deficient protein kinase 3; minus strand). Cytogenetic location: Xp11.22.
Variant type: single nucleotide variant.
Coding change: c.5322A>T on transcript NM_020922.5 (MANE Select); coding-DNA position 5322, A replaced by T.
Protein change: p.Pro1774=; no amino-acid change (proline 1774 retained).
Molecular consequence: synonymous variant.
Genome position (GRCh38, 1-based): chrX:54,198,405, T>A on the plus strand (A>T on the coding strand, the complement: WNK3 is on the minus strand). VCF-style: chrX-54198405-T-A. GRCh37 (hg19) VCF-style: chrX-54224838-T-A.
Other names: c.5151A>T, p.Pro1717= (NM_001002838.4, NM_001395166.1).
Identifiers: ClinVar variation 4873793 (VCV004873793.2).
Genomic context (GRCh38, chrX:54,198,405, plus strand): 5'-TGTGGCAGGATTCTGCACTGATGAAGTTGGAAATGCCTGCATATTCATCCCTGGCTGGAA[T>A]GGTCCCCCAGATTGGGCGGGAATTACTACAGATTGTTGTGTTGTTCCTGAAATTCCTACC-3'
Protein context (NP_065973.2, residues 1764-1784): SVVIPAQSGG[Pro1774=]FQPGMNMQAF

ClinVar aggregate classification (germline): Likely benign (1 of 4 stars; one submission).

gnomAD v4.1: 44 of 1,209,331 alleles (0.0036%); highest among the groups gnomAD compares: East Asian, 0.089%; no homozygotes.

Submission:

CeGaT Center for Human Genetics Tuebingen
Classification: Likely benign. Last evaluated: 2026-04-01. Review status: criteria provided, single submitter. Criteria: CeGaT Center For Human Genetics Tuebingen Variant Classification Criteria Version 2. Collection method: clinical testing. Allele origin: germline. Affected: yes. Observed: 1 variant allele.
Comment: WNK3: BP4, BP7, BS2